The following is an entry in ClinVar:

ClinVar aggregate classification (germline): Uncertain significance (1 of 4 stars; one submission).

Conditions:
Hereditary cancer-predisposing syndrome. Also called: Tumor predisposition; Hereditary neoplastic syndrome; Neoplastic Syndromes, Hereditary; Hereditary Cancer Syndrome. Identifiers: Orphanet 140162, MedGen C0027672, MeSH D009386, MONDO:0015356.

Submission:

Ambry Genetics
Classification: Uncertain significance for Hereditary cancer-predisposing syndrome. Last evaluated: 2025-05-16. Review status: criteria provided, single submitter. Criteria: Ambry Variant Classification Scheme 2023. Collection method: clinical testing. Allele origin: germline.
Comment: The p.G431R variant (also known as c.1291G>C), located in coding exon 12 of the FANCC gene, results from a G to C substitution at nucleotide position 1291. The glycine at codon 431 is replaced by arginine, an amino acid with dissimilar properties. This amino acid position is conserved. In addition, this alteration is predicted to be tolerated by in silico analysis. Based on the available evidence, the clinical significance of this variant remains unclear.

NM_000136.3(FANCC):c.1291G>C (p.Gly431Arg)

Genes: AOPEP (aminopeptidase O (putative); plus strand), FANCC (FA complementation group C; minus strand). Cytogenetic location: 9q22.32.
Variant type: single nucleotide variant.
Coding change: c.1291G>C on transcript NM_000136.3 (MANE Select); coding-DNA position 1291, G replaced by C.
Protein change: p.Gly431Arg; replaces glycine 431 with arginine.
Molecular consequence: missense variant.
Genome position (GRCh38, 1-based): chr9:95,111,501, C>G on the plus strand (G>C on the coding strand, the complement: FANCC is on the minus strand). VCF-style: chr9-95111501-C-G. GRCh37 (hg19) VCF-style: chr9-97873783-C-G.
Other names: c.1291G>C, p.Gly431Arg (NM_001243743.2, NM_001243744.2); short protein forms G431R.
Identifiers: ClinVar variation 4022419 (VCV004022419.1).